The following is an entry in ClinVar:

NM_001271838.2(RSRC1):c.494+22178C>A

Gene: RSRC1 (arginine and serine rich coiled-coil 1; plus strand). Cytogenetic location: 3q25.32.
Variant type: single nucleotide variant.
Coding change: c.494+22178C>A on transcript NM_001271838.2 (MANE Select); 22178 bases into the intron after coding-DNA position 494, C replaced by A.
Molecular consequence: intron variant.
Genome position (GRCh38, 1-based): chr3:158,225,423, C>A. VCF-style: chr3-158225423-C-A. GRCh37 (hg19) VCF-style: chr3-157943212-C-A.
Other names: c.494+22178C>A (NM_016625.4); c.321-72616C>A (NM_001271834.2).
Identifiers: ClinVar variation 4076391 (VCV004076391.1).

ClinVar aggregate classification (germline): Uncertain significance (1 of 4 stars; one submission).

Conditions:
Intellectual developmental disorder, autosomal recessive 70. Also called: MENTAL RETARDATION, AUTOSOMAL RECESSIVE 70. Identifiers: MedGen C5193077, MONDO:0032729, OMIM 618402.

Submission:

Laboratorio de Genetica e Diagnostico Molecular, Hospital Israelita Albert Einstein
Classification: Uncertain significance for Intellectual developmental disorder, autosomal recessive 70. Last evaluated: 2024-07-11. Review status: criteria provided, single submitter. Criteria: ACMG Guidelines, 2015. Collection method: clinical testing. Allele origin: germline. Affected: yes.
Comment: ACMG classification criteria: PM2 supporting